The following is an entry in ClinVar:

NM_007215.4(POLG2):c.578A>G (p.Tyr193Cys)

Genes: MILR1 (mast cell immunoglobulin like receptor 1; plus strand), POLG2 (DNA polymerase gamma 2, accessory subunit; minus strand). Cytogenetic location: 17q23.3.
Variant type: single nucleotide variant.
Coding change: c.578A>G on transcript NM_007215.4 (MANE Select); coding-DNA position 578, A replaced by G.
Protein change: p.Tyr193Cys; replaces tyrosine 193 with cysteine.
Molecular consequence: missense variant.
Genome position (GRCh38, 1-based): chr17:64,493,006, T>C on the plus strand (A>G on the coding strand, the complement: POLG2 is on the minus strand). VCF-style: chr17-64493006-T-C. GRCh37 (hg19) VCF-style: chr17-62489123-T-C.
Other names: short protein forms Y193C.
Identifiers: ClinVar variation 1422199 (VCV001422199.8), dbSNP rs782228671, ClinGen allele CA8712977.

ClinVar aggregate classification (germline): Uncertain significance (1 of 4 stars; one submission).

Allele frequency attached by ClinVar (database versions not stated): gnomAD 0.00001; gnomAD exomes 0.00001 and 0.00002; ExAC 0.00002.
gnomAD v4.1: 12 of 1,613,996 alleles (0.00074%); highest among the groups gnomAD compares: South Asian, 0.0033%; no homozygotes.

Submission:

Labcorp Genetics (formerly Invitae), Labcorp
Classification: Uncertain significance. Last evaluated: 2024-10-31. Review status: criteria provided, single submitter. Criteria: Invitae Variant Classification Sherloc (09022015). Collection method: clinical testing. Allele origin: germline.
Comment: This sequence change replaces tyrosine, which is neutral and polar, with cysteine, which is neutral and slightly polar, at codon 193 of the POLG2 protein (p.Tyr193Cys). This variant is present in population databases (rs782228671, gnomAD 0.006%). This variant has not been reported in the literature in individuals affected with POLG2-related conditions. ClinVar contains an entry for this variant (Variation ID: 1422199). An algorithm developed to predict the effect of missense changes on protein structure and function (PolyPhen-2) suggests that this variant is likely to be disruptive. In summary, the available evidence is currently insufficient to determine the role of this variant in disease. Therefore, it has been classified as a Variant of Uncertain Significance.